The following is an entry in ClinVar:

NM_145725.3(TRAF3):c.1123G>A (p.Ala375Thr)

Gene: TRAF3 (TNF receptor associated factor 3; plus strand). Cytogenetic location: 14q32.32.
Variant type: single nucleotide variant.
Coding change: c.1123G>A on transcript NM_145725.3 (MANE Select); coding-DNA position 1123, G replaced by A.
Protein change: p.Ala375Thr; replaces alanine 375 with threonine.
Molecular consequence: missense variant.
Genome position (GRCh38, 1-based): chr14:102,903,417, G>A. VCF-style: chr14-102903417-G-A. GRCh37 (hg19) VCF-style: chr14-103369754-G-A.
Other names: c.874G>A, p.Ala292Thr (NM_001199427.2); c.982G>A, p.Ala328Thr (NM_001385142.1); c.1042G>A, p.Ala348Thr (NM_001385143.1); c.1123G>A, p.Ala375Thr (NM_003300.4); c.1048G>A, p.Ala350Thr (NM_145726.3); short protein forms A292T, A348T, A375T, A350T, A328T.
Identifiers: ClinVar variation 1465237 (VCV001465237.8), dbSNP rs2140002083, ClinGen allele CA391074944.
Genomic context (GRCh38, chr14:102,903,417, plus strand): 5'-GAGTCCCTCCAGAACCGCGTGACCGAGCTGGAGAGCGTGGACAAGAGCGCGGGGCAAGTG[G>A]CTCGGAACACAGGTGAGGCAGGGGCCGGGGCCGGGCCAGCAGTGTGCATCTGGGCCCCGG-3'
Protein context (NP_663777.1, residues 365-385): ESVDKSAGQV[Ala375Thr]RNTGLLESQL

ClinVar aggregate classification (germline): Uncertain significance (1 of 4 stars; one submission).

Conditions:
Immunodeficiency 132A. Also called: Herpes simplex encephalitis, susceptibility to, 3. Identifiers: Orphanet 1930, MedGen C3553868, MONDO:0013920, OMIM 614849.

Allele frequency attached by ClinVar (database versions not stated): gnomAD exomes 0.00001.
gnomAD v4.1: 9 of 1,613,978 alleles (0.00056%); highest among the groups gnomAD compares: Non-Finnish European, 0.00076%; no homozygotes.

Submission:

Labcorp Genetics (formerly Invitae), Labcorp
Classification: Uncertain significance for Immunodeficiency 132A. Last evaluated: 2024-02-24. Review status: criteria provided, single submitter. Criteria: Invitae Variant Classification Sherloc (09022015). Collection method: clinical testing. Allele origin: germline.
Comment: This sequence change replaces alanine, which is neutral and non-polar, with threonine, which is neutral and polar, at codon 375 of the TRAF3 protein (p.Ala375Thr). This variant is not present in population databases (gnomAD no frequency). This variant has not been reported in the literature in individuals affected with TRAF3-related conditions. ClinVar contains an entry for this variant (Variation ID: 1465237). An algorithm developed to predict the effect of missense changes on protein structure and function (PolyPhen-2) suggests that this variant is likely to be tolerated. In summary, the available evidence is currently insufficient to determine the role of this variant in disease. Therefore, it has been classified as a Variant of Uncertain Significance.